The following is an entry in ClinVar:

ClinVar aggregate classification (germline): Uncertain significance (1 of 4 stars; one submission).

Allele frequency attached by ClinVar (database versions not stated): gnomAD 0.00001; TOPMed 0.00002; ExAC 0.00006; gnomAD exomes 0.00007 and 0.00008; ESP Exome Variant Server 0.00008.
gnomAD v4.1: 105 of 1,613,048 alleles (0.0065%); highest among the groups gnomAD compares: Non-Finnish European, 0.0087%; no homozygotes.

Submission:

GeneDx
Classification: Uncertain significance. Last evaluated: 2025-09-08. Review status: criteria provided, single submitter. Criteria: GeneDx Variant Classification Process June 2021. Collection method: clinical testing. Allele origin: germline. Affected: yes.
Comment: Canonical splice site variant predicted to result in a null allele in a gene for which loss-of-function is a known mechanism of disease; Has not been previously published as pathogenic or benign to our knowledge

NM_017433.5(MYO3A):c.3275-2A>G

Gene: MYO3A (myosin IIIA; plus strand). Cytogenetic location: 10p12.1.
Variant type: single nucleotide variant.
Coding change: c.3275-2A>G on transcript NM_017433.5 (MANE Select); the canonical splice acceptor site of the intron before coding-DNA position 3275, A replaced by G.
Molecular consequence: splice acceptor variant.
Genome position (GRCh38, 1-based): chr10:26,170,414, A>G. VCF-style: chr10-26170414-A-G. GRCh37 (hg19) VCF-style: chr10-26459343-A-G.
Identifiers: ClinVar variation 1314658 (VCV001314658.3), dbSNP rs377694329, ClinGen allele CA5445233.